The following is an entry in ClinVar:

ClinVar aggregate classification (germline): Pathogenic (1 of 4 stars; one submission).

Conditions:
Neurofibromatosis, type 1 (NF1). Also called: VON RECKLINGHAUSEN DISEASE; NEUROFIBROMATOSIS, TYPE I, SOMATIC; Neurofibromatosis, type I; Peripheral type neurofibromatosis. Identifiers: Orphanet 636, MedGen C0027831, MONDO:0018975, OMIM 162200. Disease mechanism: loss of function.

Submission:

Labcorp Genetics (formerly Invitae), Labcorp
Classification: Pathogenic for Neurofibromatosis, type 1. Last evaluated: 2022-09-15. Review status: criteria provided, single submitter. Criteria: Invitae Variant Classification Sherloc (09022015). Collection method: clinical testing. Allele origin: germline.
Comment: For these reasons, this variant has been classified as Pathogenic. This variant has not been reported in the literature in individuals affected with NF1-related conditions. This variant is not present in population databases (gnomAD no frequency). This sequence change creates a premature translational stop signal (p.Asp1313*) in the NF1 gene. It is expected to result in an absent or disrupted protein product. Loss-of-function variants in NF1 are known to be pathogenic (PMID: 10712197, 23913538).

Literature cited by the submitters: PubMed 10712197; PubMed 23913538.

NM_001042492.3(NF1):c.3936dup (p.Asp1313Ter)

Gene: NF1 (neurofibromin 1; plus strand). Cytogenetic location: 17q11.2.
Variant type: Duplication.
Coding change: c.3936dup on transcript NM_001042492.3 (MANE Select); coding-DNA position 3936, one base duplicated (T; older notation c.3936dupT).
Protein change: p.Asp1313Ter; replaces aspartic acid 1313 with a stop codon.
Molecular consequence: nonsense. On other transcripts: frameshift variant (1).
Genome position (GRCh38, 1-based): chr17:31,235,983, T duplicated. VCF-style (leftmost placement, unchanged base first): chr17-31235982-C-CT. GRCh37 (hg19) VCF-style: chr17-29563000-C-CT.
Other names: c.3936dup, p.Asp1313Terfs (NM_000267.4); short protein forms D1313*.
Identifiers: ClinVar variation 2030608 (VCV002030608.4), dbSNP rs2508264746, ClinGen allele CA2580093120.
Genomic context (GRCh38, chr17:31,235,982, plus strand): 5'-ATGGTGCTACCTATCTACAAAAACTCCTGGATCCTTTATTACGAATTGTGATCACATCCT[C>CT]TGATTGGCAACATGTTAGCTTTGAAGTGGATCCTACCAGGTTTGTCATCTTTTCACATAG-3'